The following is an entry in ClinVar:

GRCh37/hg19 Xp22.31(chrX:6456777-8119329)x1

Genes: VCX (variable charge X-linked; plus strand), PNPLA4 (patatin like domain 4, phospholipase and triacylglycerol lipase; minus strand), PUDP (pseudouridine 5'-phosphatase; minus strand), STS (steroid sulfatase; plus strand). Cytogenetic location: Xp22.31.
Variant type: copy number loss.
Change: copy number 1 of chrX:6,456,777-8,119,329 (1.66 Mb, GRCh37 coordinates, 1-based), cytogenetic band Xp22.31.
Identifiers: ClinVar variation 202223 (VCV000202223.4).

ClinVar aggregate classification (germline): Pathogenic (1 of 4 stars; one submission).

Submission:

Cytogenetics Laboratory, University of Washington
Classification: Pathogenic. Last evaluated: 2015-01-23. Review status: criteria provided, single submitter. Criteria: UW Cytogenetics and Genomics Laboratory Policy on CNV Interpretation (5/6/2015). Collection method: clinical testing. Allele origin: unknown. Affected: yes. Observed: 1 variant allele.

Literature cited by the submitters: PubMed 19609942; PubMed 24119255; PubMed 18413370; PubMed 11477606.